The following is an entry in ClinVar:

ClinVar aggregate classification (germline): Uncertain significance (1 of 4 stars; one submission).

Conditions:
Deficiency of phosphoserine phosphatase (PSPHD). Also called: Phosphoserine phosphatase deficiency; PSPH deficiency. Identifiers: Orphanet 79350, MedGen C1291463, MONDO:0013531, OMIM 614023.

Submission:

Labcorp Genetics (formerly Invitae), Labcorp
Classification: Uncertain significance for Deficiency of phosphoserine phosphatase. Last evaluated: 2023-08-10. Review status: criteria provided, single submitter. Criteria: Invitae Variant Classification Sherloc (09022015). Collection method: clinical testing. Allele origin: germline.
Comment: This variant is not present in population databases (gnomAD no frequency). This sequence change replaces glutamic acid, which is acidic and polar, with lysine, which is basic and polar, at codon 142 of the PSPH protein (p.Glu142Lys). This variant has not been reported in the literature in individuals affected with PSPH-related conditions. In summary, the available evidence is currently insufficient to determine the role of this variant in disease. Therefore, it has been classified as a Variant of Uncertain Significance. An algorithm developed to predict the effect of missense changes on protein structure and function (PolyPhen-2) suggests that this variant is likely to be tolerated. ClinVar contains an entry for this variant (Variation ID: 2001692).

NM_004577.4(PSPH):c.424G>A (p.Glu142Lys)

Gene: PSPH (phosphoserine phosphatase; minus strand). Cytogenetic location: 7p11.2.
Variant type: single nucleotide variant.
Coding change: c.424G>A on transcript NM_004577.4 (MANE Select); coding-DNA position 424, G replaced by A.
Protein change: p.Glu142Lys; replaces glutamic acid 142 with lysine.
Molecular consequence: missense variant.
Genome position (GRCh38, 1-based): chr7:56,015,169, C>T on the plus strand (G>A on the coding strand, the complement: PSPH is on the minus strand). VCF-style: chr7-56015169-C-T. GRCh37 (hg19) VCF-style: chr7-56082862-C-T.
Other names: c.424G>A, p.Glu142Lys (NM_001370503.1, NM_001370504.1, NM_001370505.1 and 17 more transcripts); short protein forms E142K.
Identifiers: ClinVar variation 2001692 (VCV002001692.4), dbSNP rs1788411017, ClinGen allele CA367595877.